The following is an entry in ClinVar:

NM_001698.3(AUH):c.943-2A>G

Gene: AUH (AU RNA binding methylglutaconyl-CoA hydratase; minus strand). Cytogenetic location: 9q22.31.
Variant type: single nucleotide variant.
Coding change: c.943-2A>G on transcript NM_001698.3 (MANE Select); the canonical splice acceptor site of the intron before coding-DNA position 943, A replaced by G.
Molecular consequence: splice acceptor variant.
Genome position (GRCh38, 1-based): chr9:91,214,427, T>C on the plus strand (A>G on the coding strand, the complement: AUH is on the minus strand). VCF-style: chr9-91214427-T-C. GRCh37 (hg19) VCF-style: chr9-93976709-T-C.
Other names: IVS9AS, A-G, -2; c.943-2A>G (NM_001698.2); c.856-2A>G (NM_001306190.2); c.568-2A>G (NM_001351433.2); c.616-2A>G (NM_001351431.2, NM_001351432.2).
Identifiers: ClinVar variation 9060 (VCV000009060.3), dbSNP rs730880312, ClinGen allele CA120090.

ClinVar aggregate classification (germline): Pathogenic/Likely pathogenic. Review status: no assertion criteria provided (0 of 4 stars). 2 submissions from 2 submitters: Pathogenic (1); Likely pathogenic (1). Last evaluated 2023-12-11.

Conditions:
AUH-related disorder. Also called: AUH-related condition.
3-methylglutaconic aciduria type 1 (MGCA1). Identifiers: Orphanet 67046, MedGen C0342727, MONDO:0009610, OMIM 250950.

Allele frequency attached by ClinVar (database versions not stated): gnomAD 0.00001; gnomAD exomes 0.00003 and 0.00002; TOPMed 0.00001.
gnomAD v4.1: 48 of 1,600,438 alleles (0.003%); highest among the groups gnomAD compares: Non-Finnish European, 0.0041%; no homozygotes.

Submissions (2):

PreventionGenetics, part of Exact Sciences
Classification: Likely pathogenic for AUH-related condition. Last evaluated: 2023-12-11. Review status: no assertion criteria provided. Collection method: clinical testing. Allele origin: germline.
Comment: The AUH c.943-2A>G variant is predicted to disrupt the AG splice acceptor site and interfere with normal splicing. This variant has been reported in the homozygous state in an individual with 3-methylglutaconic aciduria (Illsinger et al. 2004. PubMed ID: 15033206; Table 1, Wortmann et al. 2010. PubMed ID: 20855850). This variant is reported in 0.010% of alleles in individuals of Ashkenazi Jewish descent in gnomAD. Variants that disrupt the consensus splice acceptor site in AUH are expected to be pathogenic. This variant is interpreted as likely pathogenic.

OMIM
Classification: Pathogenic for 3-METHYLGLUTACONIC ACIDURIA, TYPE I. Last evaluated: 2010-09-21. Review status: no assertion criteria provided. Collection method: literature only. Allele origin: germline.

Literature cited by the submitters: PubMed 15033206 (cited by OMIM); PubMed 20855850 (cited by OMIM).